The following is an entry in ClinVar:

NM_006493.4(CLN5):c.869G>T (p.Arg290Ile)

Gene: CLN5 (CLN5 lysosomal BMP synthase; plus strand). Cytogenetic location: 13q22.3.
Variant type: single nucleotide variant.
Coding change: c.869G>T on transcript NM_006493.4 (MANE Select); coding-DNA position 869, G replaced by T.
Protein change: p.Arg290Ile; replaces arginine 290 with isoleucine.
Molecular consequence: missense variant. On other transcripts: 3 prime UTR variant (1).
Genome position (GRCh38, 1-based): chr13:77,000,761, G>T. VCF-style: chr13-77000761-G-T. GRCh37 (hg19) VCF-style: chr13-77574896-G-T.
Other names: c.1016G>T (LRG_692t1); c.*318G>T (NM_001366624.2); short protein forms R290I.
Identifiers: ClinVar variation 422251 (VCV000422251.16), dbSNP rs770688728, ClinGen allele CA7007269.

ClinVar aggregate classification (germline): Uncertain significance. Review status: criteria provided, multiple submitters, no conflicts (2 of 4 stars). 4 submissions from 4 submitters: Uncertain significance (3). 1 of the submissions does not count toward it. Last evaluated 2025-02-24.

Conditions:
Neuronal ceroid lipofuscinosis 5 (CLN5). Also called: CEROID LIPOFUSCINOSIS, NEURONAL, 5, VARIABLE AGE AT ONSET; Neuronal ceroid lipofuscinosis Finnish variant; NEURONAL CEROID LIPOFUSCINOSIS, LATE INFANTILE, FINNISH VARIANT; CLN5-Related Neuronal Ceroid-Lipofuscinosis. Identifiers: Orphanet 168491, Orphanet 228360, MedGen C1850442, MONDO:0009745, OMIM 256731.
Neuronal ceroid lipofuscinosis. Also called: Neuronal Ceroid Lipofuscinoses. Identifiers: Orphanet 216, Orphanet 79263, MedGen C0027877, MONDO:0016295. Disease mechanism: loss of function.

Allele frequency attached by ClinVar (database versions not stated): TOPMed below 0.00001; ExAC 0.00001; gnomAD 0.00001 and 0.00003; gnomAD exomes 0.00001 and 0.00003.
gnomAD v4.1: 16 of 1,613,810 alleles (0.00099%); highest among the groups gnomAD compares: Non-Finnish European, 0.0013%; no homozygotes.

Submissions (4):

Labcorp Genetics (formerly Invitae), Labcorp
Classification: Uncertain significance for Neuronal ceroid lipofuscinosis. Last evaluated: 2025-02-24. Review status: criteria provided, single submitter. Criteria: Invitae Variant Classification Sherloc (09022015). Collection method: clinical testing. Allele origin: germline.
Comment: This sequence change replaces arginine, which is basic and polar, with isoleucine, which is neutral and non-polar, at codon 339 of the CLN5 protein (p.Arg339Ile). This variant is present in population databases (rs770688728, gnomAD 0.006%). This variant has not been reported in the literature in individuals affected with CLN5-related conditions. ClinVar contains an entry for this variant (Variation ID: 422251). Invitae Evidence Modeling of protein sequence and biophysical properties (such as structural, functional, and spatial information, amino acid conservation, physicochemical variation, residue mobility, and thermodynamic stability) indicates that this missense variant is not expected to disrupt CLN5 protein function with a negative predictive value of 80%. In summary, the available evidence is currently insufficient to determine the role of this variant in disease. Therefore, it has been classified as a Variant of Uncertain Significance.

Genome-Nilou Lab
Classification: Uncertain significance for Neuronal ceroid lipofuscinosis 5. Last evaluated: 2021-09-05. Review status: criteria provided, single submitter. Criteria: ACMG Guidelines, 2015. Collection method: clinical testing. Allele origin: germline. Affected: no.

GeneDx
Classification: Uncertain significance. Last evaluated: 2016-09-13. Review status: criteria provided, single submitter. Criteria: GeneDx Variant Classification (06012015). Collection method: clinical testing. Allele origin: germline. Affected: yes.
Comment: A variant of uncertain significance has been identified in the CLN5 gene. The R339I variant has not been published as a pathogenic variant, nor has it been reported as a benign variant to our knowledge. It was not observed in approximately 6,500 individuals of European and African American ancestry in the NHLBI Exome Sequencing Project, indicating it is not a common benign variant in these populations. The R339I variant is a non-conservative amino acid substitution, which is likely to impact secondary protein structure as these residues differ in polarity, charge, size and/or other properties. However, this substitution occurs at a position that is not conserved. In silico analysis is inconsistent in its predictions as to whether or not the variant is damaging to the protein structure/function. Therefore, based on the currently available information, it is unclear whether this variant is a pathogenic variant or a rare benign variant.

Natera, Inc.
Classification: Uncertain significance for Neuronal ceroid lipofuscinosis. Last evaluated: 2020-08-28. Review status: no assertion criteria provided. Collection method: clinical testing. Allele origin: germline. Not counted in ClinVar's aggregate classification.